The following is an entry in ClinVar:

NM_000214.3(JAG1):c.2096_2097dup (p.Lys700fs)

Gene: JAG1 (jagged canonical Notch ligand 1; minus strand). Cytogenetic location: 20p12.2.
Variant type: Duplication.
Coding change: c.2096_2097dup on transcript NM_000214.3 (MANE Select); coding-DNA positions 2096 to 2097, 2 bases duplicated (GA; older notation c.2096_2097dupGA).
Protein change: p.Lys700fs; shifts the reading frame from lysine 700.
Molecular consequence: frameshift variant.
Genome position (GRCh38, 1-based): chr20:10,645,372-10,645,373, TC duplicated on the plus strand (GA on the coding strand, the reverse complement: JAG1 is on the minus strand). VCF-style (leftmost placement, unchanged base first): chr20-10645371-T-TTC. GRCh37 (hg19) VCF-style: chr20-10626019-T-TTC.
Other names: short protein forms K700fs.
Identifiers: ClinVar variation 3661611 (VCV003661611.2).

ClinVar aggregate classification (germline): Pathogenic (1 of 4 stars; one submission).

Conditions:
Alagille syndrome due to a JAG1 point mutation. Also called: HEPATIC DUCTULAR HYPOPLASIA, SYNDROMATIC; JAG1-Related Alagille Syndrome; Alagille Syndrome 1. Identifiers: Orphanet 261619, Orphanet 52, MedGen C1956125, MONDO:0016862, OMIM 118450.

Submission:

Labcorp Genetics (formerly Invitae), Labcorp
Classification: Pathogenic for Alagille syndrome due to a JAG1 point mutation. Last evaluated: 2024-09-04. Review status: criteria provided, single submitter. Criteria: Invitae Variant Classification Sherloc (09022015). Collection method: clinical testing. Allele origin: germline.
Comment: This sequence change creates a premature translational stop signal (p.Lys700Glufs*44) in the JAG1 gene. It is expected to result in an absent or disrupted protein product. Loss-of-function variants in JAG1 are known to be pathogenic (PMID: 11180599). This variant is not present in population databases (gnomAD no frequency). This variant has not been reported in the literature in individuals affected with JAG1-related conditions. For these reasons, this variant has been classified as Pathogenic.

Literature cited by the submitters: PubMed 11180599.